The following is an entry in ClinVar:

ClinVar aggregate classification (germline): Uncertain significance. Review status: criteria provided, multiple submitters, no conflicts (2 of 4 stars). 3 submissions from 3 submitters: Uncertain significance (3). Last evaluated 2022-12-30.

Conditions:
Neuronal ceroid lipofuscinosis 11. Also called: GRN-Related Neuronal Ceroid-Lipofuscinosis. Identifiers: Orphanet 314629, Orphanet 79262, MedGen C3539123, MONDO:0013866, OMIM 614706.
GRN-related frontotemporal lobar degeneration with Tdp43 inclusions (FTD2). Also called: GRN Frontotemporal Dementia; FRONTOTEMPORAL DEMENTIA WITH TDP43 INCLUSIONS, GRN-RELATED; DEMENTIA, HEREDITARY DYSPHASIC DISINHIBITION; FRONTOTEMPORAL LOBAR DEGENERATION WITH UBIQUITIN-POSITIVE INCLUSIONS; FTLD-TDP, GRN-RELATED. Identifiers: Orphanet 100070, Orphanet 282, MedGen C1843792, MONDO:0011842, OMIM 607485. Disease mechanism: loss of function.
Inborn genetic diseases. Identifiers: MedGen C0950123, MeSH D030342.

Allele frequency attached by ClinVar (database versions not stated): gnomAD exomes below 0.00001 and 0.00001; gnomAD 0.00002; TOPMed 0.00003.
gnomAD v4.1: 8 of 1,614,066 alleles (0.0005%); highest among the groups gnomAD compares: African/African-American, 0.0053%; no homozygotes.

Submissions (3):

Labcorp Genetics (formerly Invitae), Labcorp
Classification: Uncertain significance for Neuronal ceroid lipofuscinosis 11; GRN-related frontotemporal lobar degeneration with Tdp43 inclusions. Last evaluated: 2022-12-30. Review status: criteria provided, single submitter. Criteria: Invitae Variant Classification Sherloc (09022015). Collection method: clinical testing. Allele origin: germline.
Comment: In summary, the available evidence is currently insufficient to determine the role of this variant in disease. Therefore, it has been classified as a Variant of Uncertain Significance. Algorithms developed to predict the effect of missense changes on protein structure and function (SIFT, PolyPhen-2, Align-GVGD) all suggest that this variant is likely to be tolerated. ClinVar contains an entry for this variant (Variation ID: 588453). This variant has not been reported in the literature in individuals affected with GRN-related conditions. This variant is present in population databases (no rsID available, gnomAD 0.007%). This sequence change replaces threonine, which is neutral and polar, with serine, which is neutral and polar, at codon 80 of the GRN protein (p.Thr80Ser).

GeneDx
Classification: Uncertain significance. Last evaluated: 2019-12-09. Review status: criteria provided, single submitter. Criteria: GeneDx Variant Classification Process June 2021. Collection method: clinical testing. Allele origin: germline. Affected: yes.
Comment: In silico analysis, which includes protein predictors and evolutionary conservation, supports that this variant does not alter protein structure/function; Has not been previously published as pathogenic or benign to our knowledge

Ambry Genetics
Classification: Uncertain significance for Inborn genetic diseases. Last evaluated: 2016-11-18. Review status: criteria provided, single submitter. Criteria: Ambry Variant Classification Scheme 2023. Collection method: clinical testing. Allele origin: germline.
Comment: The p.T80S variant (also known as c.238A>T), located in coding exon 2 of the GRN gene, results from an A to T substitution at nucleotide position 238. The threonine at codon 80 is replaced by serine, an amino acid with similar properties. This variant was not reported in population based cohorts in the following databases: Database of Single Nucleotide Polymorphisms (dbSNP), NHLBI Exome Sequencing Project (ESP), and 1000 Genomes Project. In the ESP, this variant was not observed in 6503 samples (13006 alleles) with coverage at this position. This amino acid position is not well conserved in available vertebrate species. In addition, this alteration is predicted to be tolerated by in silico analysis. Since supporting evidence is limited at this time, the clinical significance of this variant remains unclear.

NM_002087.4(GRN):c.238A>T (p.Thr80Ser)

Gene: GRN (granulin precursor; plus strand). Cytogenetic location: 17q21.31.
Variant type: single nucleotide variant.
Coding change: c.238A>T on transcript NM_002087.4 (MANE Select); coding-DNA position 238, A replaced by T.
Protein change: p.Thr80Ser; replaces threonine 80 with serine.
Molecular consequence: missense variant.
Genome position (GRCh38, 1-based): chr17:44,349,525, A>T. VCF-style: chr17-44349525-A-T. GRCh37 (hg19) VCF-style: chr17-42426893-A-T.
Other names: short protein forms T80S.
Identifiers: ClinVar variation 588453 (VCV000588453.13), dbSNP rs1022228740, ClinGen allele CA290922500.
Genomic context (GRCh38, chr17:44,349,525, plus strand): 5'-CCCTGCCAGGTTGATGCCCACTGCTCTGCCGGCCACTCCTGCATCTTTACCGTCTCAGGG[A>T]CTTCCAGTTGCTGCCCCTTCCCAGAGGTGAGCGTGCCATCAGCCCAGTGGAGGGGCTTAG-3'
Protein context (NP_002078.1, residues 70-90): GHSCIFTVSG[Thr80Ser]SSCCPFPEAV